The following is an entry in ClinVar:

ClinVar aggregate classification (germline): Uncertain significance (1 of 4 stars; one submission).

Conditions:
Candidiasis, familial, 9 (CANDF9). Identifiers: Orphanet 1334, MedGen C4225324, MONDO:0014642, OMIM 616445.

gnomAD v4.1: 3 of 1,611,986 alleles (0.00019%); highest among the groups gnomAD compares: Non-Finnish European, 0.00025%; no homozygotes.

Submission:

Labcorp Genetics (formerly Invitae), Labcorp
Classification: Uncertain significance for Candidiasis, familial, 9. Last evaluated: 2019-11-25. Review status: criteria provided, single submitter. Criteria: Invitae Variant Classification Sherloc (09022015). Collection method: clinical testing. Allele origin: germline.
Comment: In summary, the available evidence is currently insufficient to determine the role of this variant in disease. Therefore, it has been classified as a Variant of Uncertain Significance. Algorithms developed to predict the effect of missense changes on protein structure and function output the following: SIFT: "Tolerated"; PolyPhen-2: "Benign"; Align-GVGD: "Class C0". The threonine amino acid residue is found in multiple mammalian species, suggesting that this missense change does not adversely affect protein function. These predictions have not been confirmed by published functional studies and their clinical significance is uncertain. This variant has not been reported in the literature in individuals with IL17RC-related conditions. This variant is not present in population databases (ExAC no frequency). This sequence change replaces alanine with threonine at codon 758 of the IL17RC protein (p.Ala758Thr). The alanine residue is weakly conserved and there is a small physicochemical difference between alanine and threonine.

NM_153460.4(IL17RC):c.2059G>A (p.Ala687Thr)

Genes: IL17RC (interleukin 17 receptor C; plus strand), LOC129936144 (ATAC-STARR-seq lymphoblastoid silent region 14051; plus strand). Cytogenetic location: 3p25.3.
Variant type: single nucleotide variant.
Coding change: c.2059G>A on transcript NM_153460.4 (MANE Select); coding-DNA position 2059, G replaced by A.
Protein change: p.Ala687Thr; replaces alanine 687 with threonine.
Molecular consequence: missense variant. On other transcripts: non-coding transcript variant (1).
Genome position (GRCh38, 1-based): chr3:9,933,489, G>A. VCF-style: chr3-9933489-G-A. GRCh37 (hg19) VCF-style: chr3-9975173-G-A.
Other names: c.2020G>A, p.Ala674Thr (NM_001203263.2); c.1969G>A, p.Ala657Thr (NM_001203264.2); c.1963G>A, p.Ala655Thr (NM_001203265.2); c.1981G>A, p.Ala661Thr (NM_001367278.1); c.1900G>A, p.Ala634Thr (NM_001367279.1); c.1975G>A, p.Ala659Thr (NM_001367280.1); c.2014G>A, p.Ala672Thr (NM_032732.6); c.2272G>A, p.Ala758Thr (NM_153461.4); short protein forms A634T, A657T, A674T, A687T, A655T, A661T, A758T, A659T.
Identifiers: ClinVar variation 845731 (VCV000845731.7), dbSNP rs572542208, ClinGen allele CA351709462.